The following is an entry in ClinVar:

NM_005676.5(RBM10):c.1421A>T (p.Asp474Val)

Gene: RBM10 (RNA binding motif protein 10; plus strand). Cytogenetic location: Xp11.3.
Variant type: single nucleotide variant.
Coding change: c.1421A>T on transcript NM_005676.5 (MANE Select); coding-DNA position 1421, A replaced by T.
Protein change: p.Asp474Val; replaces aspartic acid 474 with valine.
Molecular consequence: missense variant.
Genome position (GRCh38, 1-based): chrX:47,181,387, A>T. VCF-style: chrX-47181387-A-T. GRCh37 (hg19) VCF-style: chrX-47040786-A-T.
Other names: c.1190A>T, p.Asp397Val (NM_001204466.2); c.1418A>T, p.Asp473Val (NM_001204467.2); c.1616A>T, p.Asp539Val (NM_001204468.2); c.1187A>T, p.Asp396Val (NM_152856.3); short protein forms D396V, D397V, D473V, D474V, D539V.
Identifiers: ClinVar variation 975767 (VCV000975767.28), dbSNP rs782007244, ClinGen allele CA10395262.

ClinVar aggregate classification (germline): Benign/Likely benign. Review status: criteria provided, multiple submitters, no conflicts (2 of 4 stars). 4 submissions from 4 submitters: Benign (1); Likely benign (2). 1 of the submissions does not count toward it. Last evaluated 2025-10-01.

Conditions:
Inborn genetic diseases. Identifiers: MedGen C0950123, MeSH D030342.
Intellectual disability. Also called: Intellectual developmental disorder; intellectual disabilities; Intellectual functioning disability. Identifiers: MedGen C3714756, MeSH D008607, MONDO:0001071, HP:0001249.

Allele frequency attached by ClinVar (database versions not stated): TOPMed 0.00008; gnomAD exomes 0.00010 and 0.00016; gnomAD 0.00014; ExAC 0.00025.
gnomAD v4.1: 122 of 1,205,602 alleles (0.01%); highest among the groups gnomAD compares: Middle Eastern, 0.023%; no homozygotes.

Submissions (4):

Labcorp Genetics (formerly Invitae), Labcorp
Classification: Benign. Last evaluated: 2025-10-01. Review status: criteria provided, single submitter. Criteria: Invitae Variant Classification Sherloc (09022015). Collection method: clinical testing. Allele origin: germline.

Ambry Genetics
Classification: Likely benign for Inborn genetic diseases. Last evaluated: 2024-01-08. Review status: criteria provided, single submitter. Criteria: Ambry Variant Classification Scheme 2023. Collection method: clinical testing. Allele origin: germline.

CeGaT Center for Human Genetics Tuebingen
Classification: Likely benign. Last evaluated: 2023-02-01. Review status: criteria provided, single submitter. Criteria: CeGaT Center For Human Genetics Tuebingen Variant Classification Criteria Version 2. Collection method: clinical testing. Allele origin: germline. Affected: yes. Observed: 1 variant allele.
Comment: RBM10: BS2

Centre de Biologie Pathologie Génétique, Centre Hospitalier Universitaire de Lille
Classification: Likely benign for Intellectual disability. Last evaluated: 2019-01-01. Review status: no assertion criteria provided. Collection method: clinical testing. Allele origin: inherited. Affected: yes. Not counted in ClinVar's aggregate classification.